The following is an entry in ClinVar:

NM_000052.7(ATP7A):c.1599_1603delinsGAGA (p.Asn533fs)

Gene: ATP7A (ATPase copper transporting alpha; plus strand). Cytogenetic location: Xq21.1.
Variant type: Indel.
Coding change: c.1599_1603delinsGAGA on transcript NM_000052.7 (MANE Select); coding-DNA positions 1599 to 1603, TCCTG replaced by GAGA.
Protein change: p.Asn533fs; shifts the reading frame from asparagine 533.
Molecular consequence: frameshift variant.
Genome position (GRCh38, 1-based): chrX:78,003,128-78,003,132, TCCTG replaced by GAGA. VCF-style: chrX-78003128-TCCTG-GAGA. GRCh37 (hg19) VCF-style: chrX-77258625-TCCTG-GAGA.
Other names: c.1599_1603delinsGAGA, p.Asn533fs (NM_001282224.2); short protein forms N533fs.
Identifiers: ClinVar variation 1725595 (VCV001725595.3), dbSNP rs2522325486, ClinGen allele CA2580101431.

ClinVar aggregate classification (germline): Likely pathogenic (1 of 4 stars; one submission).

Conditions:
Menkes kinky-hair syndrome (MNK). Also called: Copper transport disease; Classic Menkes Disease; Menkes Disease. Identifiers: Orphanet 565, MedGen C0022716, MONDO:0010651, OMIM 309400.

Submission:

Myriad Genetics, Inc.
Classification: Likely pathogenic for Menkes kinky-hair syndrome. Last evaluated: 2022-03-30. Review status: criteria provided, single submitter. Criteria: Myriad Autosomal Dominant, Autosomal Recessive and X-Linked Classification Criteria (2023). Collection method: clinical testing. Allele origin: unknown.
Comment: NM_000052.5(ATP7A):c.1599_1603del5ins4(N533Kfs*9) is expected to be pathogenic in the context of ATP7A-related disorders. This variant is predicted to lead to an abnormal or absent protein product due to the creation of a premature termination codon in ATP7A, a gene where loss-of-function variants are known to be pathogenic. Please note: this variant was assessed in the context of healthy population screening.